The following is an entry in ClinVar:

NM_030962.4(SBF2):c.1072G>A (p.Val358Ile)

Gene: SBF2 (SET binding factor 2; minus strand). Cytogenetic location: 11p15.4.
Variant type: single nucleotide variant.
Coding change: c.1072G>A on transcript NM_030962.4 (MANE Select); coding-DNA position 1072, G replaced by A.
Protein change: p.Val358Ile; replaces valine 358 with isoleucine.
Molecular consequence: missense variant.
Genome position (GRCh38, 1-based): chr11:9,993,085, C>T on the plus strand (G>A on the coding strand, the complement: SBF2 is on the minus strand). VCF-style: chr11-9993085-C-T. GRCh37 (hg19) VCF-style: chr11-10014632-C-T.
Other names: c.1072G>A, p.Val358Ile (NM_001386339.1, NM_001386342.1); short protein forms V358I.
Identifiers: ClinVar variation 971214 (VCV000971214.10), dbSNP rs1372841015, ClinGen allele CA379637983.
Genomic context (GRCh38, chr11:9,993,085, plus strand): 5'-TTATAAGTTGCAGGCAGGATCTATATCCTTGGAAGAGTTGTGCAAATAATCTAAGGAAAA[C>T]GGCTCGCACCTCTTTATCCTAAAAATATAAGAAGAAATGTTAGGTAATTTAACTTTTTAA-3'
Protein context (NP_112224.1, residues 348-368): SKMLDKEVRA[Val358Ile]FLRLFAQLFQ

ClinVar aggregate classification (germline): Uncertain significance. Review status: criteria provided, multiple submitters, no conflicts (2 of 4 stars). 2 submissions from 2 submitters: Uncertain significance (2). Last evaluated 2022-02-08.

Conditions:
Charcot-Marie-Tooth disease type 4. Also called: Charcot-Marie-Tooth, Type 4; Charcot-Marie-Tooth disease, type IV. Identifiers: Orphanet 64749, MedGen C4082197, MONDO:0018995.
Inborn genetic diseases. Identifiers: MedGen C0950123, MeSH D030342.

Allele frequency attached by ClinVar (database versions not stated): gnomAD exomes 0.00001; gnomAD 0.00002; TOPMed 0.00004.
gnomAD v4.1: 15 of 1,610,392 alleles (0.00093%); highest among the groups gnomAD compares: East Asian, 0.0067%; no homozygotes.

Submissions (2):

Labcorp Genetics (formerly Invitae), Labcorp
Classification: Uncertain significance for Charcot-Marie-Tooth disease type 4. Last evaluated: 2022-02-08. Review status: criteria provided, single submitter. Criteria: Invitae Variant Classification Sherloc (09022015). Collection method: clinical testing. Allele origin: germline.
Comment: In summary, the available evidence is currently insufficient to determine the role of this variant in disease. Therefore, it has been classified as a Variant of Uncertain Significance. This sequence change replaces valine, which is neutral and non-polar, with isoleucine, which is neutral and non-polar, at codon 358 of the SBF2 protein (p.Val358Ile). This variant is present in population databases (no rsID available, gnomAD 0.006%). This variant has not been reported in the literature in individuals affected with SBF2-related conditions. ClinVar contains an entry for this variant (Variation ID: 971214). Algorithms developed to predict the effect of missense changes on protein structure and function (SIFT, PolyPhen-2, Align-GVGD) all suggest that this variant is likely to be tolerated.

Ambry Genetics
Classification: Uncertain significance for Inborn genetic diseases. Last evaluated: 2020-10-22. Review status: criteria provided, single submitter. Criteria: Ambry Variant Classification Scheme 2023. Collection method: clinical testing. Allele origin: germline.
Comment: The p.V358I variant (also known as c.1072G>A), located in coding exon 11 of the SBF2 gene, results from a G to A substitution at nucleotide position 1072. The valine at codon 358 is replaced by isoleucine, an amino acid with highly similar properties. This amino acid position is well conserved in available vertebrate species. In addition, this alteration is predicted to be tolerated by in silico analysis. Since supporting evidence is limited at this time, the clinical significance of this alteration remains unclear.